The following is an entry in ClinVar:

ClinVar aggregate classification (germline): Uncertain significance (1 of 4 stars; one submission).

Submission:

Labcorp Genetics (formerly Invitae), Labcorp
Classification: Uncertain significance. Last evaluated: 2025-10-07. Review status: criteria provided, single submitter. Criteria: Invitae Variant Classification Sherloc (09022015). Collection method: clinical testing. Allele origin: germline.
Comment: This sequence change falls in intron 1 of the TMEM240 gene. It does not directly change the encoded amino acid sequence of the TMEM240 protein. The frequency data for this variant in the population databases is considered unreliable, as metrics indicate poor data quality at this position in the gnomAD database. This variant has not been reported in the literature in individuals affected with TMEM240-related conditions. In summary, the available evidence is currently insufficient to determine the role of this variant in disease. Therefore, it has been classified as a Variant of Uncertain Significance.

NM_001114748.2(TMEM240):c.57+16_57+39del

Gene: TMEM240 (transmembrane protein 240; minus strand). Cytogenetic location: 1p36.33.
Variant type: Deletion.
Coding change: c.57+16_57+39del on transcript NM_001114748.2 (MANE Select); bases 16 to 39 of the intron after coding-DNA position 57, 24 bases deleted (TCCCGCGCGCGCCCCCTGCTCCCC).
Molecular consequence: intron variant.
Genome position (GRCh38, 1-based): chr1:1,540,251-1,540,274, GGGGAGCAGGGGGCGCGCGCGGGA deleted on the plus strand (TCCCGCGCGCGCCCCCTGCTCCCC on the coding strand, the reverse complement: TMEM240 is on the minus strand). VCF-style (leftmost placement, unchanged base first): chr1-1540250-CGGGGAGCAGGGGGCGCGCGCGGGA-C. GRCh37 (hg19) VCF-style: chr1-1475630-CGGGGAGCAGGGGGCGCGCGCGGGA-C.
Identifiers: ClinVar variation 4707742 (VCV004707742.1).
Genomic context (GRCh38, chr1:1,540,250, plus strand): 5'-AGCGCAGGCCGCACGGGCGGTAAACAAGGCGCGGGAGGTGGGCCAGGCGGCGCGCGCGGG[CGGGGAGCAGGGGGCGCGCGCGGGA>C]AGCCCCTCCGCTCACCATCACGACCGACGCCCCCAGAATCATGAAGATCATGGTGTTCGC-3'